The following is an entry in ClinVar:

ClinVar aggregate classification (germline): Uncertain significance. Review status: criteria provided, multiple submitters, no conflicts (2 of 4 stars). 2 submissions from 2 submitters: Uncertain significance (2). Last evaluated 2023-10-29.

Conditions:
RYR1-related disorder. Also called: RYR1-related condition; RYR1-related disorders. Identifiers: MedGen CN239331.
Central core myopathy (CMYO1A). Also called: CONGENITAL MYOPATHY 1A, AUTOSOMAL DOMINANT, WITH SUSCEPTIBILITY TO MALIGNANT HYPERTHERMIA; Central core disease; Myopathy, central fibrillar. Identifiers: Orphanet 597, MedGen C5830701, MONDO:0007294, OMIM 117000.

Allele frequency attached by ClinVar (database versions not stated): gnomAD exomes below 0.00001; ExAC 0.00001.
gnomAD v4.1: 6 of 1,613,670 alleles (0.00037%); highest among the groups gnomAD compares: East Asian, 0.0022%; no homozygotes.

Submissions (2):

Labcorp Genetics (formerly Invitae), Labcorp
Classification: Uncertain significance for RYR1-related disorder. Last evaluated: 2023-10-29. Review status: criteria provided, single submitter. Criteria: Invitae Variant Classification Sherloc (09022015). Collection method: clinical testing. Allele origin: germline.
Comment: This sequence change replaces arginine, which is basic and polar, with histidine, which is basic and polar, at codon 3707 of the RYR1 protein (p.Arg3707His). The frequency data for this variant in the population databases is considered unreliable, as metrics indicate poor data quality at this position in the gnomAD database. This variant has not been reported in the literature in individuals affected with RYR1-related conditions. ClinVar contains an entry for this variant (Variation ID: 1708098). Advanced modeling of protein sequence and biophysical properties (such as structural, functional, and spatial information, amino acid conservation, physicochemical variation, residue mobility, and thermodynamic stability) has been performed at Invitae for this missense variant, however the output from this modeling did not meet the statistical confidence thresholds required to predict the impact of this variant on RYR1 protein function. In summary, the available evidence is currently insufficient to determine the role of this variant in disease. Therefore, it has been classified as a Variant of Uncertain Significance.

Laboratory of Medical Genetics, National & Kapodistrian University of Athens
Classification: Uncertain significance for Central core myopathy. Last evaluated: 2022-06-28. Review status: criteria provided, single submitter. Criteria: ACMG Guidelines, 2015. Collection method: clinical testing. Allele origin: germline. Affected: yes.
Comment: PM2, PP3

NM_000540.3(RYR1):c.11120G>A (p.Arg3707His)

Gene: RYR1 (ryanodine receptor 1; plus strand). Cytogenetic location: 19q13.2.
Variant type: single nucleotide variant.
Coding change: c.11120G>A on transcript NM_000540.3 (MANE Select); coding-DNA position 11120, G replaced by A.
Protein change: p.Arg3707His; replaces arginine 3707 with histidine.
Molecular consequence: missense variant.
Genome position (GRCh38, 1-based): chr19:38,529,036, G>A. VCF-style: chr19-38529036-G-A. GRCh37 (hg19) VCF-style: chr19-39019676-G-A.
Other names: c.11105G>A, p.Arg3702His (NM_001042723.2); short protein forms R3702H, R3707H.
Identifiers: ClinVar variation 1708098 (VCV001708098.4), dbSNP rs193922838, ClinGen allele CA055862.